The following is an entry in ClinVar:

ClinVar aggregate classification (germline): Benign. Review status: criteria provided, multiple submitters, no conflicts (2 of 4 stars). 4 submissions from 4 submitters: Benign (4). Last evaluated 2021-07-14.

Conditions:
Hearing loss, autosomal recessive 112. Also called: DEAFNESS, AUTOSOMAL RECESSIVE 112. Identifiers: MedGen C4748855, MONDO:0032639, OMIM 618257.

Allele frequency attached by ClinVar (database versions not stated): ESP Exome Variant Server 0.76714; 1000 Genomes Project 30x 0.77358; gnomAD exomes 0.82891 and 0.83125; gnomAD 0.76698 and 0.77284; 1000 Genomes Project 0.77815; ExAC 0.82475; TOPMed 0.77041.
gnomAD v4.1: 1,328,525 of 1,613,142 alleles (82%); highest among the groups gnomAD compares: Admixed American, 88%; 549,699 homozygotes.

Submissions (4):

Genome-Nilou Lab
Classification: Benign for Hearing loss, autosomal recessive 112. Last evaluated: 2021-07-14. Review status: criteria provided, single submitter. Criteria: ACMG Guidelines, 2015. Collection method: clinical testing. Allele origin: germline. Affected: no.

Mayo Clinic Laboratories, Mayo Clinic
Classification: Benign. Last evaluated: 2019-07-31. Review status: criteria provided, single submitter. Criteria: ACMG Guidelines, 2015. Collection method: clinical testing. Allele origin: germline. Observed: 100 variant alleles.

GeneDx
Classification: Benign. Last evaluated: 2017-05-09. Review status: criteria provided, single submitter. Criteria: GeneDx Variant Classification (06012015). Collection method: clinical testing. Allele origin: germline. Affected: yes.
Comment: This variant is considered likely benign or benign based on one or more of the following criteria: it is a conservative change, it occurs at a poorly conserved position in the protein, it is predicted to be benign by multiple in silico algorithms, and/or has population frequency not consistent with disease.

Breakthrough Genomics
Classification: Benign. Review status: criteria provided, single submitter. Criteria: ACMG Guidelines, 2015. Collection method: not provided. Allele origin: germline. Inheritance: Autosomal recessive inheritance. Affected: yes.

NM_018429.3(BDP1):c.114T>G (p.Asp38Glu)

Gene: BDP1 (BDP1 general transcription factor IIIB subunit; plus strand). Cytogenetic location: 5q13.2.
Variant type: single nucleotide variant.
Coding change: c.114T>G on transcript NM_018429.3 (MANE Select); coding-DNA position 114, T replaced by G.
Protein change: p.Asp38Glu; replaces aspartic acid 38 with glutamic acid.
Molecular consequence: missense variant.
Genome position (GRCh38, 1-based): chr5:71,455,991, T>G. VCF-style: chr5-71455991-T-G. GRCh37 (hg19) VCF-style: chr5-70751818-T-G.
Other names: p.Asp38Glu; short protein forms D38E.
Identifiers: ClinVar variation 508084 (VCV000508084.6), dbSNP rs3748043, ClinGen allele CA3295590.